The following is an entry in ClinVar:

NM_004370.6(COL12A1):c.8609C>G (p.Pro2870Arg)

Gene: COL12A1 (collagen type XII alpha 1 chain; minus strand). Cytogenetic location: 6q13.
Variant type: single nucleotide variant.
Coding change: c.8609C>G on transcript NM_004370.6 (MANE Select); coding-DNA position 8609, C replaced by G.
Protein change: p.Pro2870Arg; replaces proline 2870 with arginine.
Molecular consequence: missense variant.
Genome position (GRCh38, 1-based): chr6:75,095,148, G>C on the plus strand (C>G on the coding strand, the complement: COL12A1 is on the minus strand). VCF-style: chr6-75095148-G-C. GRCh37 (hg19) VCF-style: chr6-75804864-G-C.
Other names: c.5117C>G, p.Pro1706Arg (NM_080645.3); short protein forms P1706R, P2870R.
Identifiers: ClinVar variation 1321011 (VCV001321011.4), dbSNP rs751638930, ClinGen allele CA364737043.

ClinVar aggregate classification (germline): Uncertain significance. Review status: criteria provided, multiple submitters, no conflicts (2 of 4 stars). 2 submissions from 2 submitters: Uncertain significance (2). Last evaluated 2024-08-20.

Conditions:
Ullrich congenital muscular dystrophy 2 (UCMD2). Identifiers: Orphanet 75840, MedGen C4225314, MONDO:0014654, OMIM 616470.
Bethlem myopathy 2 (BTHLM2). Identifiers: Orphanet 536516, Orphanet 610, MedGen C4225313, MONDO:0034022, OMIM 616471.

Allele frequency attached by ClinVar (database versions not stated): gnomAD 0.00001.
gnomAD v4.1: 7 of 1,613,926 alleles (0.00043%); highest among the groups gnomAD compares: Non-Finnish European, 0.00059%; no homozygotes.

Submissions (2):

Labcorp Genetics (formerly Invitae), Labcorp
Classification: Uncertain significance for Bethlem myopathy 2; Ullrich congenital muscular dystrophy 2. Last evaluated: 2024-08-20. Review status: criteria provided, single submitter. Criteria: Invitae Variant Classification Sherloc (09022015). Collection method: clinical testing. Allele origin: germline.
Comment: This sequence change replaces proline, which is neutral and non-polar, with arginine, which is basic and polar, at codon 2870 of the COL12A1 protein (p.Pro2870Arg). This variant is not present in population databases (gnomAD no frequency). This variant has not been reported in the literature in individuals affected with COL12A1-related conditions. ClinVar contains an entry for this variant (Variation ID: 1321011). An algorithm developed to predict the effect of missense changes on protein structure and function (PolyPhen-2) suggests that this variant is likely to be disruptive. In summary, the available evidence is currently insufficient to determine the role of this variant in disease. Therefore, it has been classified as a Variant of Uncertain Significance.

GeneDx
Classification: Uncertain significance. Last evaluated: 2020-11-03. Review status: criteria provided, single submitter. Criteria: GeneDx Variant Classification Process June 2021. Collection method: clinical testing. Allele origin: germline. Affected: yes.
Comment: Has not been previously published as pathogenic or benign to our knowledge; Not observed in large population cohorts (Lek et al., 2016); In silico analysis supports that this missense variant has a deleterious effect on protein structure/function